The following is an entry in ClinVar:

NM_052867.4(NALCN):c.2947C>T (p.Gln983Ter)

Gene: NALCN (sodium leak channel, non-selective; minus strand). Cytogenetic location: 13q33.1.
Variant type: single nucleotide variant.
Coding change: c.2947C>T on transcript NM_052867.4 (MANE Select); coding-DNA position 2947, C replaced by T.
Protein change: p.Gln983Ter; replaces glutamine 983 with a stop codon.
Molecular consequence: nonsense.
Genome position (GRCh38, 1-based): chr13:101,103,282, G>A on the plus strand (C>T on the coding strand, the complement: NALCN is on the minus strand). VCF-style: chr13-101103282-G-A. GRCh37 (hg19) VCF-style: chr13-101755633-G-A.
Other names: c.3034C>T, p.Gln1012Ter (NM_001350748.2); c.2947C>T, p.Gln983Ter (NM_001350749.2); c.2860C>T, p.Gln954Ter (NM_001350750.2, NM_001350751.2); short protein forms Q983*, Q1012*, Q954*.
Identifiers: ClinVar variation 620491 (VCV000620491.2), dbSNP rs1566815386, ClinGen allele CA388669343.

ClinVar aggregate classification (germline): Likely pathogenic (1 of 4 stars; one submission).

Submission:

GeneDx
Classification: Likely pathogenic. Last evaluated: 2025-08-23. Review status: criteria provided, single submitter. Criteria: GeneDx Variant Classification Process June 2021. Collection method: clinical testing. Allele origin: germline. Affected: yes.
Comment: Nonsense variant predicted to result in protein truncation or nonsense mediated decay in a gene for which loss of function is a known mechanism of disease; Not observed at significant frequency in large population cohorts (gnomAD); Has not been previously published as pathogenic or benign to our knowledge